The following is an entry in ClinVar:

ClinVar aggregate classification (germline): Conflicting classifications of pathogenicity. Review status: criteria provided, conflicting classifications (1 of 4 stars). 5 submissions from 3 submitters: Uncertain significance (3); Likely benign (2). Last evaluated 2023-02-08.

Conditions:
Familial Mediterranean fever (FMF). Also called: POLYSEROSITIS, FAMILIAL PAROXYSMAL; POLYSEROSITIS, RECURRENT; Periodic peritonitis; Benign paroxysmal peritonitis. Identifiers: Orphanet 342, MedGen C0031069, MONDO:0018088, OMIM 249100. Disease mechanism: gain of function.
Familial Mediterranean fever, autosomal dominant. Also called: Dominant Familial Mediterranean Fever; FMF, AUTOSOMAL DOMINANT. Identifiers: Orphanet 342, MedGen C1851347, MONDO:0007601, OMIM 134610.
Acute febrile neutrophilic dermatosis (AFND). Also called: Sweet Syndrome; Gomm Button disease. Identifiers: Orphanet 3243, MedGen C0085077, MONDO:0011959, OMIM 608068.

Submissions (5):

Genome-Nilou Lab
Classification: Uncertain significance for Familial Mediterranean fever. Last evaluated: 2023-02-08. Review status: criteria provided, single submitter. Criteria: ACMG Guidelines, 2015. Collection method: clinical testing. Allele origin: germline.

Genome-Nilou Lab
Classification: Likely benign for Familial Mediterranean fever, autosomal dominant. Last evaluated: 2023-02-08. Review status: criteria provided, single submitter. Criteria: ACMG Guidelines, 2015. Collection method: clinical testing. Allele origin: germline.

Genome-Nilou Lab
Classification: Likely benign for Acute febrile neutrophilic dermatosis. Last evaluated: 2023-02-08. Review status: criteria provided, single submitter. Criteria: ACMG Guidelines, 2015. Collection method: clinical testing. Allele origin: germline.

Fulgent Genetics
Classification: Uncertain significance for Familial Mediterranean fever, autosomal dominant; Familial Mediterranean fever; Acute febrile neutrophilic dermatosis. Last evaluated: 2021-09-07. Review status: criteria provided, single submitter. Criteria: ACMG Guidelines, 2015. Collection method: clinical testing. Allele origin: unknown.

Labcorp Genetics (formerly Invitae), Labcorp
Classification: Uncertain significance for Familial Mediterranean fever. Last evaluated: 2020-06-06. Review status: criteria provided, single submitter. Criteria: Invitae Variant Classification Sherloc (09022015). Collection method: clinical testing. Allele origin: germline.
Comment: This sequence change replaces arginine with serine at codon 653 of the MEFV protein (p.Arg653Ser). The arginine residue is weakly conserved and there is a moderate physicochemical difference between arginine and serine. This variant is not present in population databases (ExAC no frequency). This variant has not been reported in the literature in individuals with MEFV-related conditions. Algorithms developed to predict the effect of missense changes on protein structure and function are either unavailable or do not agree on the potential impact of this missense change (SIFT: "Deleterious"; PolyPhen-2: "Benign"; Align-GVGD: "Class C0"). Algorithms developed to predict the effect of sequence changes on RNA splicing suggest that this variant may create or strengthen a splice site, but this prediction has not been confirmed by published transcriptional studies. In summary, the available evidence is currently insufficient to determine the role of this variant in disease. Therefore, it has been classified as a Variant of Uncertain Significance.

NM_000243.3(MEFV):c.1957C>A (p.Arg653Ser)

Genes: MEFV (MEFV innate immunity regulator, pyrin; minus strand), LOC126862264 (CDK7 strongly-dependent group 2 enhancer GRCh37_chr16:3293322-3294521; plus strand). Cytogenetic location: 16p13.3.
Variant type: single nucleotide variant.
Coding change: c.1957C>A on transcript NM_000243.3 (MANE Select); coding-DNA position 1957, C replaced by A.
Protein change: p.Arg653Ser; replaces arginine 653 with serine.
Molecular consequence: missense variant. On other transcripts: 3 prime UTR variant (1).
Genome position (GRCh38, 1-based): chr16:3,243,530, G>T on the plus strand (C>A on the coding strand, the complement: MEFV is on the minus strand). VCF-style: chr16-3243530-G-T. GRCh37 (hg19) VCF-style: chr16-3293530-G-T.
Other names: c.*161C>A (NM_001198536.2); short protein forms R653S.
Identifiers: ClinVar variation 1062670 (VCV001062670.9), dbSNP rs375716505, ClinGen allele CA394487420.
Genomic context (GRCh38, chr16:3,243,530, plus strand): 5'-ATGTCTTGCAGGCTCCCAGGATCCATGCTGTCTTGTCTCCAACCTCCACCTCCCAGTAAC[G>T]GCGGCCAGAGAGGAAACTCGGAGAGCCCAGAACAATGATACAGCTGTCAAATCTTTGCGG-3'
Protein context (NP_000234.1, residues 643-663): LGSPSFLSGR[Arg653Ser]YWEVEVGDKT